The following is an entry in ClinVar:

NM_006648.4(WNK2):c.4696C>T (p.Pro1566Ser)

Gene: WNK2 (WNK lysine deficient protein kinase 2; plus strand). Cytogenetic location: 9q22.31.
Variant type: single nucleotide variant.
Coding change: c.4696C>T on transcript NM_006648.4 (MANE Select); coding-DNA position 4696, C replaced by T.
Protein change: p.Pro1566Ser; replaces proline 1566 with serine.
Molecular consequence: missense variant.
Genome position (GRCh38, 1-based): chr9:93,289,450, C>T. VCF-style: chr9-93289450-C-T. GRCh37 (hg19) VCF-style: chr9-96051732-C-T.
Other names: c.4807C>T, p.Pro1603Ser (NM_001282394.3); short protein forms P1566S, P1603S.
Identifiers: ClinVar variation 3981941 (VCV003981941.1).

ClinVar aggregate classification (germline): Uncertain significance (1 of 4 stars; one submission).

Submission:

Ambry Genetics
Classification: Uncertain significance. Last evaluated: 2025-04-24. Review status: criteria provided, single submitter. Criteria: Ambry Variant Classification Scheme 2023. Collection method: clinical testing. Allele origin: germline.
Comment: The p.P1566S variant (also known as c.4696C>T), located in coding exon 19 of the WNK2 gene, results from a C to T substitution at nucleotide position 4696. The proline at codon 1566 is replaced by serine, an amino acid with similar properties. This amino acid position is conserved. In addition, this alteration is predicted to be tolerated by in silico analysis. Based on the available evidence, the clinical significance of this variant remains unclear.